The following is an entry in ClinVar:

ClinVar aggregate classification (germline): Uncertain significance (1 of 4 stars; one submission).

Allele frequency attached by ClinVar (database versions not stated): gnomAD exomes 0.00001; ExAC 0.00002; TOPMed 0.00002.
gnomAD v4.1: 3 of 1,612,608 alleles (0.00019%); highest among the groups gnomAD compares: East Asian, 0.0067%; no homozygotes.

Submission:

Labcorp Genetics (formerly Invitae), Labcorp
Classification: Uncertain significance. Last evaluated: 2023-01-07. Review status: criteria provided, single submitter. Criteria: Invitae Variant Classification Sherloc (09022015). Collection method: clinical testing. Allele origin: germline.
Comment: In summary, the available evidence is currently insufficient to determine the role of this variant in disease. Therefore, it has been classified as a Variant of Uncertain Significance. Algorithms developed to predict the effect of missense changes on protein structure and function are either unavailable or do not agree on the potential impact of this missense change (SIFT: "Deleterious"; PolyPhen-2: "Probably Damaging"; Align-GVGD: "Class C0"). This variant has not been reported in the literature in individuals affected with RNF31-related conditions. This variant is present in population databases (rs769844649, gnomAD 0.01%). This sequence change replaces tryptophan, which is neutral and slightly polar, with arginine, which is basic and polar, at codon 847 of the RNF31 protein (p.Trp847Arg).

NM_017999.5(RNF31):c.2539T>C (p.Trp847Arg)

Gene: RNF31 (ring finger protein 31; plus strand). Cytogenetic location: 14q12.
Variant type: single nucleotide variant.
Coding change: c.2539T>C on transcript NM_017999.5 (MANE Select); coding-DNA position 2539, T replaced by C.
Protein change: p.Trp847Arg; replaces tryptophan 847 with arginine.
Molecular consequence: missense variant.
Genome position (GRCh38, 1-based): chr14:24,157,335, T>C. VCF-style: chr14-24157335-T-C. GRCh37 (hg19) VCF-style: chr14-24626544-T-C.
Other names: c.2086T>C, p.Trp696Arg (NM_001310332.2); short protein forms W696R, W847R.
Identifiers: ClinVar variation 2817417 (VCV002817417.3), dbSNP rs769844649, ClinGen allele CA7126092.
Genomic context (GRCh38, chr14:24,157,335, plus strand): 5'-CTTTCCCTCTGGCAGTGGGAGGAGCAGCACCGAGGTCGGAGCTGTGAGGACTTCCAGAAC[T>C]GGAAACGCATGAACGACCCAGAATACCAGGCCCAGGGCCTAGCAATGTATCTTCAGGAAA-3'
Protein context (NP_060469.4, residues 837-857): RGRSCEDFQN[Trp847Arg]KRMNDPEYQA